The following is an entry in ClinVar:

NM_000038.6(APC):c.5722A>T (p.Asn1908Tyr)

Gene: APC (APC regulator of WNT signaling pathway; plus strand). Cytogenetic location: 5q22.2.
Variant type: single nucleotide variant.
Coding change: c.5722A>T on transcript NM_000038.6 (MANE Select); coding-DNA position 5722, A replaced by T.
Protein change: p.Asn1908Tyr; replaces asparagine 1908 with tyrosine.
Molecular consequence: missense variant. On other transcripts: non-coding transcript variant (2).
Genome position (GRCh38, 1-based): chr5:112,841,316, A>T. VCF-style: chr5-112841316-A-T. GRCh37 (hg19) VCF-style: chr5-112177013-A-T.
Other names: c.5722A>T, p.Asn1908Tyr (NM_001127510.3, NM_001354895.2, NM_001407450.1); c.5668A>T, p.Asn1890Tyr (NM_001127511.3); c.5776A>T, p.Asn1926Tyr (NM_001354896.2, NM_001407447.1, NM_001407448.1 and 1 more transcripts); c.5752A>T, p.Asn1918Tyr (NM_001354897.2); c.5647A>T, p.Asn1883Tyr (NM_001354898.2); c.5638A>T, p.Asn1880Tyr (NM_001354899.2); c.5599A>T, p.Asn1867Tyr (NM_001354900.2); c.5545A>T, p.Asn1849Tyr (NM_001354901.2, NM_001407453.1); and 11 more; short protein forms N1524Y, N1625Y, N1748Y, N1779Y, N1782Y, N1807Y, N1817Y, N1825Y.
Identifiers: ClinVar variation 3074255 (VCV003074255.1), dbSNP rs2149947481, ClinGen allele CA16033857.

ClinVar aggregate classification (germline): Uncertain significance (1 of 4 stars; one submission).

Conditions:
Classic or attenuated familial adenomatous polyposis. Identifiers: MedGen CN372698, MONDO:0021057.

Submission:

All of Us Research Program, National Institutes of Health
Classification: Uncertain significance for Classic or attenuated familial adenomatous polyposis. Last evaluated: 2023-12-01. Review status: criteria provided, single submitter. Criteria: ACMG Guidelines, 2015. Collection method: clinical testing. Allele origin: germline. Inheritance: Autosomal dominant inheritance. Observed: 1 variant allele, 1 heterozygote.
Comment: This study involves interpretation of variants in research participants for the purpose of population health screening. Participant phenotype was not available at the time of variant classification. Additional details can be found in publication PMID: 35346344, PMCID: PMC8962531